The following is an entry in ClinVar:

NM_001365276.2(TNXB):c.1096G>T (p.Glu366Ter)

Gene: TNXB (tenascin XB; minus strand). Cytogenetic location: 6p21.33.
Variant type: single nucleotide variant.
Coding change: c.1096G>T on transcript NM_001365276.2 (MANE Select); coding-DNA position 1096, G replaced by T.
Protein change: p.Glu366Ter; replaces glutamic acid 366 with a stop codon.
Molecular consequence: nonsense.
Genome position (GRCh38, 1-based): chr6:32,096,757, C>A on the plus strand (G>T on the coding strand, the complement: TNXB is on the minus strand). VCF-style: chr6-32096757-C-A. GRCh37 (hg19) VCF-style: chr6-32064534-C-A.
Other names: c.1096G>T, p.Glu366Ter (NM_001428335.1, NM_019105.8); short protein forms E366*.
Identifiers: ClinVar variation 5014167 (VCV005014167.1).
Genomic context (GRCh38, chr6:32,096,757, plus strand): 5'-CGTCCTCGCAGCGCCCGCGGCCCCGGCAGTCCCTCGGACATGTCCGCGTGCTGCAGTCCT[C>A]GCCTGTGTACCCGGGCCAGCACACGCAGCGGCCGTCCACGCAGCGCCCGCCCTCGCCACA-3'

ClinVar aggregate classification (germline): Pathogenic (1 of 4 stars; one submission).

Conditions:
Ehlers-Danlos syndrome due to tenascin-X deficiency (EDSCLL1). Also called: Ehlers-Danlos syndrome, classic-like, 1; EHLERS-DANLOS SYNDROME, CLASSIC-LIKE; TNXB-Related Classical-Like Ehlers-Danlos Syndrome; EDS DUE TO TNX DEFICIENCY; TNX DEFICIENCY. Identifiers: Orphanet 230839, MedGen C1848029, MONDO:0011670, OMIM 606408.

Submission:

Myriad Genetics, Inc.
Classification: Pathogenic for Ehlers-Danlos syndrome due to tenascin-X deficiency. Last evaluated: 2025-03-02. Review status: criteria provided, single submitter. Criteria: Myriad Autosomal Dominant, Autosomal Recessive and X-Linked Classification Criteria (2023). Collection method: clinical testing. Allele origin: unknown.
Comment: NM_019105.6(TNXB):c.1096G>T(E366*) is expected to be pathogenic in the context of classical-like Ehlers-Danlos syndrome, TNXB-related. This variant is predicted to lead to an abnormal or absent protein product due to the creation of a premature termination codon in TNXB, a gene where loss-of-function variants are known to be pathogenic. Please note: this variant was assessed in the context of healthy population screening.